The following is an entry in ClinVar:

ClinVar aggregate classification (germline): Uncertain significance (1 of 4 stars; one submission).

Allele frequency attached by ClinVar (database versions not stated): gnomAD exomes 0.00002; ExAC 0.00003; gnomAD 0.00005; TOPMed 0.00007.
gnomAD v4.1: 16 of 1,614,056 alleles (0.00099%); highest among the groups gnomAD compares: African/African-American, 0.02%; no homozygotes.

Submission:

Labcorp Genetics (formerly Invitae), Labcorp
Classification: Uncertain significance. Last evaluated: 2023-08-10. Review status: criteria provided, single submitter. Criteria: Invitae Variant Classification Sherloc (09022015). Collection method: clinical testing. Allele origin: germline.
Comment: In summary, the available evidence is currently insufficient to determine the role of this variant in disease. Therefore, it has been classified as a Variant of Uncertain Significance. This sequence change replaces threonine, which is neutral and polar, with alanine, which is neutral and non-polar, at codon 321 of the KCNJ13 protein (p.Thr321Ala). This variant is present in population databases (rs748902194, gnomAD 0.02%). This variant has not been reported in the literature in individuals affected with KCNJ13-related conditions. ClinVar contains an entry for this variant (Variation ID: 1476036). Advanced modeling of protein sequence and biophysical properties (such as structural, functional, and spatial information, amino acid conservation, physicochemical variation, residue mobility, and thermodynamic stability) performed at Invitae indicates that this missense variant is not expected to disrupt KCNJ13 protein function.

NM_002242.4(KCNJ13):c.961A>G (p.Thr321Ala)

Genes: GIGYF2 (GRB10 interacting GYF protein 2; plus strand), KCNJ13 (potassium inwardly rectifying channel subfamily J member 13; minus strand). Cytogenetic location: 2q37.1.
Variant type: single nucleotide variant.
Coding change: c.961A>G on transcript NM_002242.4 (MANE Select); coding-DNA position 961, A replaced by G.
Protein change: p.Thr321Ala; replaces threonine 321 with alanine.
Molecular consequence: missense variant. On other transcripts: 3 prime UTR variant (1), intron variant (4).
Genome position (GRCh38, 1-based): chr2:232,768,313, T>C on the plus strand (A>G on the coding strand, the complement: KCNJ13 is on the minus strand). VCF-style: chr2-232768313-T-C. GRCh37 (hg19) VCF-style: chr2-233633023-T-C.
Other names: c.*440A>G (NM_001172416.1); c.721A>G, p.Thr241Ala (NM_001172417.1); c.532+6877T>C (NM_001103146.3, NM_015575.4, NM_001103147.2 and 1 more transcripts); short protein forms T241A, T321A.
Identifiers: ClinVar variation 1476036 (VCV001476036.8), dbSNP rs748902194, ClinGen allele CA2169965.
Genomic context (GRCh38, chr2:232,768,313, plus strand): 5'-TATCCAGGTCAGTCCTGTTTGGGCTTTTAGAAACCAGAGGAGTTGGAAATTCAGGGACAG[T>C]CTTGTCAAAATTCTCCATCTTGATTTGATATTCACCTTTGGAACCTCGGGTCAACAGAGA-3'
Protein context (NP_002233.2, residues 311-331): YQIKMENFDK[Thr321Ala]VPEFPTPLVS